The following is an entry in ClinVar:

ClinVar aggregate classification (germline): Pathogenic. Review status: criteria provided, multiple submitters, no conflicts (2 of 4 stars). 7 submissions from 7 submitters: Pathogenic (4). 3 of the submissions do not count toward it. Last evaluated 2025-01-08.

Conditions:
Fanconi anemia (FA). Also called: Fanconi's anemia. Identifiers: Orphanet 84, MedGen C0015625, MeSH D005199, MONDO:0019391.
Fanconi anemia complementation group A (FANCA). Also called: Fanconi anemia, group A; FANCA-Related Fanconi Anemia. Identifiers: Orphanet 84, MedGen C3469521, MONDO:0009215, OMIM 227650.

Submissions (7):

Labcorp Genetics (formerly Invitae), Labcorp
Classification: Pathogenic for Fanconi anemia. Last evaluated: 2025-01-08. Review status: criteria provided, single submitter. Criteria: Invitae Variant Classification Sherloc (09022015). Collection method: clinical testing. Allele origin: germline.
Comment: This sequence change creates a premature translational stop signal (p.Glu1240Aspfs*36) in the FANCA gene. RNA analysis indicates that this premature translational stop signal induces altered splicing and may result in an absent or altered protein product. This variant is not present in population databases (gnomAD no frequency). This premature translational stop signal has been observed in individual(s) with Fanconi anemia (PMID: 15523645, 23067021). ClinVar contains an entry for this variant (Variation ID: 3448). Studies have shown that this premature translational stop signal results in skipping of exon 37, and produces a non-functional protein and/or introduces a premature termination codon (PMID: 15523645). For these reasons, this variant has been classified as Pathogenic.

Natera, Inc.
Classification: Pathogenic for Fanconi anemia. Last evaluated: 2024-07-31. Review status: criteria provided, single submitter. Criteria: Natera Variant Classification Schema (03/2026). Collection method: clinical testing. Allele origin: germline.
Comment: The c.3720_3724delAAACA variant in FANCA is a frameshift variant predicted to shift the reading frame beginning at codon 1240 and leads to a stop codon 36 codons downstream. This variant is expected to result in nonsense mediated decay, truncation, or a dysfunctional protein product. This variant is rare in the general population with a frequency below the threshold expected for the associated phenotype(s). This variant has been observed in one or more individuals affected with the associated recessive disease, as either homozygous or compound heterozygous with a second variant (PMID: 15523645). Given the available evidence, this variant is classified as Pathogenic.

Women's Health and Genetics/Laboratory Corporation of America, LabCorp
Classification: Pathogenic for Fanconi anemia. Last evaluated: 2024-05-16. Review status: criteria provided, single submitter. Criteria: LabCorp Variant Classification Summary - May 2015. Collection method: clinical testing. Allele origin: germline.
Comment: Variant summary: FANCA c.3720_3724delAAACA (p.Glu1240AspfsX36) results in a premature termination codon, predicted to cause absence of the protein due to nonsense mediated decay, which is a commonly known mechanism for disease. The variant was absent in 251474 control chromosomes (gnomAD). c.3720_3724delAAACA has been reported in the literature in individuals affected with Fanconi Anemia (e.g. Mori_2019). The following publication has been ascertained in the context of this evaluation (PMID: 30792206). ClinVar contains an entry for this variant (Variation ID: 3448). Based on the evidence outlined above, the variant was classified as pathogenic.

Baylor Genetics
Classification: Pathogenic for Fanconi anemia complementation group A. Last evaluated: 2023-03-28. Review status: criteria provided, single submitter. Criteria: ACMG Guidelines, 2015. Collection method: clinical testing. Allele origin: unknown.

Leiden Open Variation Database
Classification: Pathogenic for Fanconi anemia complementation group A. Last evaluated: 2020-02-28. Review status: no assertion criteria provided. Collection method: curation. Allele origin: germline. Affected: yes. Not counted in ClinVar's aggregate classification.
Comment: Curator: Arleen D. Auerbach. Submitters to LOVD: Arleen D. Auerbach, Myungshin Kim.

Counsyl
Classification: Pathogenic for Fanconi anemia complementation group A. Last evaluated: 2018-03-07. Review status: no assertion criteria provided. Collection method: clinical testing. Allele origin: unknown. Not counted in ClinVar's aggregate classification.

OMIM
Classification: Pathogenic for FANCONI ANEMIA, COMPLEMENTATION GROUP A. Last evaluated: 2004-12-01. Review status: no assertion criteria provided. Collection method: literature only. Allele origin: germline. Not counted in ClinVar's aggregate classification.

Literature cited by the submitters: PubMed 15523645 (cited by 5 submitters); PubMed 23067021 (cited by Labcorp Genetics (formerly Invitae), Labcorp); PubMed 30792206 (cited by Women's Health and Genetics/Laboratory Corporation of America, LabCorp).

NM_000135.4(FANCA):c.3720_3724del (p.Glu1240fs)

Gene: FANCA (FA complementation group A; minus strand). Cytogenetic location: 16q24.3.
Variant type: Deletion.
Coding change: c.3720_3724del on transcript NM_000135.4 (MANE Select); coding-DNA positions 3720 to 3724, 5 bases deleted (AAACA; older notation c.3720_3724delAAACA).
Protein change: p.Glu1240fs; shifts the reading frame from glutamic acid 1240.
Molecular consequence: frameshift variant.
Genome position (GRCh38, 1-based): chr16:89,742,841-89,742,845, TGTTT deleted on the plus strand (AAACA on the coding strand, the reverse complement: FANCA is on the minus strand); deleting any 5 consecutive bases within chr16:89,742,841-89,742,846 gives the same sequence; the c. name uses the placement nearest the transcript's 3' end. VCF-style (leftmost placement, unchanged base first): chr16-89742840-ATGTTT-A. GRCh37 (hg19) VCF-style: chr16-89809248-ATGTTT-A.
Other names: c.3720_3724del (NM_000135.2); c.3720_3724delAAACA (NM_000135.4, NM_000135.3); c.3720_3724del, p.Glu1240fs (NM_001286167.3); c.3720_3724del5 (NM_000135.2); short protein forms E1240fs.
Identifiers: ClinVar variation 3448 (VCV000003448.14), dbSNP rs794726660, ClinGen allele CA252784.